The following is an entry in ClinVar:

NM_001267550.2(TTN):c.101323G>A (p.Glu33775Lys)

Genes: TTN (titin; minus strand), TTN-AS1 (TTN antisense RNA 1; plus strand). Cytogenetic location: 2q31.2.
Variant type: single nucleotide variant.
Coding change: c.101323G>A on transcript NM_001267550.2 (MANE Select); coding-DNA position 101323, G replaced by A.
Protein change: p.Glu33775Lys; replaces glutamic acid 33775 with lysine.
Molecular consequence: missense variant.
Genome position (GRCh38, 1-based): chr2:178,535,292, C>T on the plus strand (G>A on the coding strand, the complement: TTN is on the minus strand). VCF-style: chr2-178535292-C-T. GRCh37 (hg19) VCF-style: chr2-179400019-C-T.
Other names: c.96400G>A, p.Glu32134Lys (NM_001256850.1); c.74128G>A, p.Glu24710Lys (NM_003319.4); c.93619G>A, p.Glu31207Lys (NM_133378.4); c.74503G>A, p.Glu24835Lys (NM_133432.3); c.74704G>A, p.Glu24902Lys (NM_133437.4); short protein forms E24902K, E32134K, E24835K, E31207K, E24710K, E33775K.
Identifiers: ClinVar variation 1042936 (VCV001042936.9), dbSNP rs1690927632, ClinGen allele CA349420966.

ClinVar aggregate classification (germline): Uncertain significance (1 of 4 stars; one submission).

Conditions:
Dilated cardiomyopathy 1G (CMD1G). Identifiers: Orphanet 154, MedGen C1858763, MONDO:0011400, OMIM 604145.
Autosomal recessive limb-girdle muscular dystrophy type 2J (LGMDR10). Also called: Limb-girdle muscular dystrophy, type 2J; MUSCULAR DYSTROPHY, LIMB-GIRDLE, AUTOSOMAL RECESSIVE 10. Identifiers: Orphanet 140922, MedGen C1837342, MONDO:0012127, OMIM 608807.

Submission:

Labcorp Genetics (formerly Invitae), Labcorp
Classification: Uncertain significance for Dilated cardiomyopathy 1G; Autosomal recessive limb-girdle muscular dystrophy type 2J. Last evaluated: 2024-08-13. Review status: criteria provided, single submitter. Criteria: Invitae Variant Classification Sherloc (09022015). Collection method: clinical testing. Allele origin: germline.
Comment: This sequence change replaces glutamic acid, which is acidic and polar, with lysine, which is basic and polar, at codon 33775 of the TTN protein (p.Glu33775Lys). This variant is not present in population databases (gnomAD no frequency). This variant has not been reported in the literature in individuals affected with TTN-related conditions. ClinVar contains an entry for this variant (Variation ID: 1042936). Experimental studies and prediction algorithms are not available or were not evaluated, and the functional significance of this variant is currently unknown. This variant is located in the M band of TTN (PMID: 25589632). Non-truncating variants in this region may be relevant for neuromuscular disorders, but have not been definitively shown to cause cardiomyopathy (PMID: 23975875). In summary, the available evidence is currently insufficient to determine the role of this variant in disease. Therefore, it has been classified as a Variant of Uncertain Significance.

Literature cited by the submitters: PubMed 25589632; PubMed 23975875.